The following is an entry in ClinVar:

ClinVar aggregate classification (germline): Uncertain significance (1 of 4 stars; one submission).

Submission:

CeGaT Center for Human Genetics Tuebingen
Classification: Uncertain significance. Last evaluated: 2025-06-01. Review status: criteria provided, single submitter. Criteria: CeGaT Center For Human Genetics Tuebingen Variant Classification Criteria Version 2. Collection method: clinical testing. Allele origin: germline. Affected: yes. Observed: 1 variant allele.
Comment: HSPD1: PM2

NM_002156.5(HSPD1):c.278T>A (p.Ile93Asn)

Gene: HSPD1 (heat shock protein family D (Hsp60) member 1; minus strand). Cytogenetic location: 2q33.1.
Variant type: single nucleotide variant.
Coding change: c.278T>A on transcript NM_002156.5 (MANE Select); coding-DNA position 278, T replaced by A.
Protein change: p.Ile93Asn; replaces isoleucine 93 with asparagine.
Molecular consequence: missense variant.
Genome position (GRCh38, 1-based): chr2:197,497,289, A>T on the plus strand (T>A on the coding strand, the complement: HSPD1 is on the minus strand). VCF-style: chr2-197497289-A-T. GRCh37 (hg19) VCF-style: chr2-198362013-A-T.
Other names: c.278T>A, p.Ile93Asn (NM_199440.2); short protein forms I93N.
Identifiers: ClinVar variation 3906034 (VCV003906034.10).